The following is an entry in ClinVar:

ClinVar aggregate classification (germline): Benign (1 of 4 stars; one submission).

Allele frequency attached by ClinVar (database versions not stated): 1000 Genomes Project 30x 0.30528; 1000 Genomes Project 0.30611; gnomAD 0.31084 and 0.31452; TOPMed 0.31656.

Submission:

GeneDx
Classification: Benign. Last evaluated: 2018-06-19. Review status: criteria provided, single submitter. Criteria: GeneDx Variant Classification (06012015). Collection method: clinical testing. Allele origin: germline. Affected: yes.
Comment: This variant is considered likely benign or benign based on one or more of the following criteria: it is a conservative change, it occurs at a poorly conserved position in the protein, it is predicted to be benign by multiple in silico algorithms, and/or has population frequency not consistent with disease.

NM_000350.3(ABCA4):c.5197-186T>C

Gene: ABCA4 (ATP binding cassette subfamily A member 4; minus strand). Cytogenetic location: 1p22.1.
Variant type: single nucleotide variant.
Coding change: c.5197-186T>C on transcript NM_000350.3 (MANE Select); 186 bases into the intron before coding-DNA position 5197, T replaced by C.
Molecular consequence: intron variant.
Genome position (GRCh38, 1-based): chr1:94,016,040, A>G on the plus strand (T>C on the coding strand, the complement: ABCA4 is on the minus strand). VCF-style: chr1-94016040-A-G. GRCh37 (hg19) VCF-style: chr1-94481596-A-G.
Identifiers: ClinVar variation 678780 (VCV000678780.1), dbSNP rs915201, ClinGen allele CA16060998.